The following is an entry in ClinVar:

NM_006904.7(PRKDC):c.4899G>C (p.Trp1633Cys)

Gene: PRKDC (protein kinase, DNA-activated, catalytic subunit; minus strand). Cytogenetic location: 8q11.21.
Variant type: single nucleotide variant.
Coding change: c.4899G>C on transcript NM_006904.7 (MANE Select); coding-DNA position 4899, G replaced by C.
Protein change: p.Trp1633Cys; replaces tryptophan 1633 with cysteine.
Molecular consequence: missense variant.
Genome position (GRCh38, 1-based): chr8:47,881,975, C>G on the plus strand (G>C on the coding strand, the complement: PRKDC is on the minus strand). VCF-style: chr8-47881975-C-G. GRCh37 (hg19) VCF-style: chr8-48794536-C-G.
Other names: c.4899G>C, p.Trp1633Cys (NM_001081640.2); short protein forms W1633C.
Identifiers: ClinVar variation 3310156 (VCV003310156.1).

ClinVar aggregate classification (germline): Uncertain significance (1 of 4 stars; one submission).

Submission:

Ambry Genetics
Classification: Uncertain significance. Last evaluated: 2024-05-22. Review status: criteria provided, single submitter. Criteria: Ambry Variant Classification Scheme 2023. Collection method: clinical testing. Allele origin: germline.
Comment: The p.W1633C variant (also known as c.4899G>C), located in coding exon 37 of the PRKDC gene, results from a G to C substitution at nucleotide position 4899. The tryptophan at codon 1633 is replaced by cysteine, an amino acid with highly dissimilar properties. This amino acid position is conserved. In addition, the in silico prediction for this alteration is inconclusive. Based on the available evidence, the clinical significance of this variant remains unclear.